The following is an entry in ClinVar:

NM_182643.3(DLC1):c.4080C>T (p.Ser1360=)

Gene: DLC1 (DLC1 Rho GTPase activating protein; minus strand). Cytogenetic location: 8p22.
Variant type: single nucleotide variant.
Coding change: c.4080C>T on transcript NM_182643.3 (MANE Select); coding-DNA position 4080, C replaced by T.
Protein change: p.Ser1360=; no amino-acid change (serine 1360 retained).
Molecular consequence: synonymous variant. On other transcripts: intron variant (1).
Genome position (GRCh38, 1-based): chr8:13,088,699, G>A on the plus strand (C>T on the coding strand, the complement: DLC1 is on the minus strand). VCF-style: chr8-13088699-G-A. GRCh37 (hg19) VCF-style: chr8-12946208-G-A.
Other names: c.2547C>T, p.Ser849= (NM_001164271.2, NM_001348082.2, NM_001348083.1 and 6 more transcripts); c.2871C>T, p.Ser957= (NM_001316668.2); c.4080C>T, p.Ser1360= (NM_001348081.2, NM_001413124.1); c.2652C>T, p.Ser884= (NM_001413129.1); c.2862C>T, p.Ser954= (NM_001413130.1); c.2520C>T, p.Ser840= (NM_001413131.1, NM_001413137.1); c.3006C>T, p.Ser1002= (NM_001413132.1); c.2769C>T, p.Ser923= (NM_001413135.1, NM_006094.5); and 4 more.
Identifiers: ClinVar variation 2070239 (VCV002070239.6), dbSNP rs193206379, ClinGen allele CA4638025.

ClinVar aggregate classification (germline): Benign/Likely benign. Review status: criteria provided, multiple submitters, no conflicts (2 of 4 stars). 3 submissions from 3 submitters: Benign (1); Likely benign (2). Last evaluated 2026-01-08.

Conditions:
DLC1-related disorder. Also called: DLC1-related condition.

Allele frequency attached by ClinVar (database versions not stated): gnomAD exomes 0.00013; gnomAD 0.00016; TOPMed 0.00024; ExAC 0.00033; 1000 Genomes Project 0.00120; 1000 Genomes Project 30x 0.00141.
gnomAD v4.1: 238 of 1,613,878 alleles (0.015%); highest among the groups gnomAD compares: East Asian, 0.36%; 1 homozygote.

Submissions (3):

PreventionGenetics, part of Exact Sciences
Classification: Likely benign for DLC1-related condition. Last evaluated: 2026-01-08. Review status: criteria provided, single submitter. Criteria: ACMG Guidelines, 2015. Collection method: clinical testing. Allele origin: germline.
Comment: This variant is classified as likely benign based on ACMG/AMP sequence variant interpretation guidelines (Richards et al. 2015 PMID: 25741868, with internal and published modifications).

Labcorp Genetics (formerly Invitae), Labcorp
Classification: Benign. Last evaluated: 2025-09-09. Review status: criteria provided, single submitter. Criteria: Invitae Variant Classification Sherloc (09022015). Collection method: clinical testing. Allele origin: germline.

Blueprint Genetics
Classification: Likely benign. Last evaluated: 2024-11-06. Review status: criteria provided, single submitter. Criteria: ACMG Guidelines, 2015. Collection method: clinical testing. Allele origin: germline.